The following is an entry in ClinVar:

NM_000101.4(CYBA):c.281A>G (p.His94Arg)

Gene: CYBA (cytochrome b-245 alpha chain; minus strand). Cytogenetic location: 16q24.2.
Variant type: single nucleotide variant.
Coding change: c.281A>G on transcript NM_000101.4 (MANE Select); coding-DNA position 281, A replaced by G.
Protein change: p.His94Arg; replaces histidine 94 with arginine.
Molecular consequence: missense variant.
Genome position (GRCh38, 1-based): chr16:88,646,761, T>C on the plus strand (A>G on the coding strand, the complement: CYBA is on the minus strand). VCF-style: chr16-88646761-T-C. GRCh37 (hg19) VCF-style: chr16-88713169-T-C.
Other names: short protein forms H94R.
Identifiers: ClinVar variation 2261 (VCV000002261.3), dbSNP rs104894510, ClinGen allele CA115454.
Genomic context (GRCh38, chr16:88,646,761, plus strand): 5'-GGGTCGGCTCCAAGCCCTCCTGAGCCCTAGAGGGGGTGCGGGACGGGGACTCACAGGAGA[T>C]GCAGGACGGCCCGAACATAGTAATTCCTGGTAAAGGGCCCGAACAGCTTCACCACGGCGG-3'
Protein context (NP_000092.2, residues 84-104): TRNYYVRAVL[His94Arg]LLLSVPAGFL

ClinVar aggregate classification (germline): Uncertain significance. Review status: criteria provided, single submitter (1 of 4 stars). 2 submissions from 2 submitters: Uncertain significance (1). 1 of the submissions does not count toward it. Last evaluated 2024-10-25.

Conditions:
Granulomatous disease, chronic, autosomal recessive, cytochrome b-negative. Also called: Chronic granulomatous disease, autosomal, due to deficiency of CYBA; CGD DUE TO DEFICIENCY OF THE ALPHA SUBUNIT OF CYTOCHROME b; CGD, AUTOSOMAL RECESSIVE CYTOCHROME b-NEGATIVE; GRANULOMATOUS DISEASE, CHRONIC, AUTOSOMAL RECESSIVE, 4; CYBA DEFICIENCY. Identifiers: Orphanet 379, MedGen C1856255, MONDO:0009308, OMIM 233690.

Allele frequency attached by ClinVar (database versions not stated): gnomAD exomes below 0.00001; TOPMed below 0.00001.

Submissions (2):

Women's Health and Genetics/Laboratory Corporation of America, LabCorp
Classification: Uncertain significance. Last evaluated: 2024-10-25. Review status: criteria provided, single submitter. Criteria: LabCorp Variant Classification Summary - May 2015. Collection method: clinical testing. Allele origin: germline.
Comment: Variant summary: CYBA c.281A>G (p.His94Arg) results in a non-conservative amino acid change in the encoded protein sequence. Five of five in-silico tools predict a damaging effect of the variant on protein function. The variant was absent in 250956 control chromosomes. c.281A>G has been reported in the literature in a homozygous individual affected with Chronic Granulomatous Disease (De Boer_1992). These data indicate that the variant may be associated with disease. At least one publication reports experimental evidence evaluating an impact on protein function and showed lack of protein production in fibroblasts derived from the patient; however, the data does not allow convincing conclusions about the variant effect (De Boer_1992). The following publication have been ascertained in the context of this evaluation (PMID: 1415254). ClinVar contains an entry for this variant (Variation ID: 2261). Based on the evidence outlined above, the variant was classified as VUS-possibly pathogenic.

OMIM
Classification: Pathogenic for GRANULOMATOUS DISEASE, CHRONIC, AUTOSOMAL RECESSIVE, 4. Last evaluated: 1992-11-01. Review status: no assertion criteria provided. Collection method: literature only. Allele origin: germline. Not counted in ClinVar's aggregate classification.

Literature cited by the submitters: PubMed 1415254 (cited by Women's Health and Genetics/Laboratory Corporation of America, LabCorp and OMIM).